The following is an entry in ClinVar:

NM_000268.4(NF2):c.1493_1494delinsCT (p.Phe498Ser)

Gene: NF2 (NF2, moesin-ezrin-radixin like (MERLIN) tumor suppressor; plus strand). Cytogenetic location: 22q12.2.
Variant type: Indel.
Coding change: c.1493_1494delinsCT on transcript NM_000268.4 (MANE Select); coding-DNA positions 1493 to 1494, TC replaced by CT.
Protein change: p.Phe498Ser; replaces phenylalanine 498 with serine.
Molecular consequence: missense variant. On other transcripts: non-coding transcript variant (1), intron variant (1).
Genome position (GRCh38, 1-based): chr22:29,678,242-29,678,243, TC replaced by CT. VCF-style: chr22-29678242-TC-CT. GRCh37 (hg19) VCF-style: chr22-30074231-TC-CT.
Other names: c.1493_1494delinsCT, p.Phe498Ser (NM_016418.5, NM_181825.3, NM_181832.3); c.1367_1368delinsCT, p.Phe456Ser (NM_181828.3); c.1370_1371delinsCT, p.Phe457Ser (NM_181829.3); c.1244_1245delinsCT, p.Phe415Ser (NM_181830.3, NM_181831.3); c.448-16510_448-16509delinsCT (NM_181833.3); short protein forms F415S, F456S, F457S, F498S.
Identifiers: ClinVar variation 1061051 (VCV001061051.7), dbSNP rs2147108238, ClinGen allele CA2499226113.
Genomic context (GRCh38, chr22:29,678,242, plus strand): 5'-TTTCTCATTAACAGCCCATGAACCCAATTCCAGCACCGTTGCCTCCTGACATACCAAGCT[TC>CT]AACCTCATTGGTGACAGCCTGTCTTTCGACTTCAAAGATACTGACATGAAGCGGCTTTCC-3'
Protein context (NP_000259.1, residues 488-508): PAPLPPDIPS[Phe498Ser]NLIGDSLSFD

ClinVar aggregate classification (germline): Uncertain significance (1 of 4 stars; one submission).

Conditions:
Neurofibromatosis, type 2 (SWNV). Also called: BILATERAL ACOUSTIC NEUROFIBROMATOSIS; NF2-Related Schwannomatosis; SCHWANNOMATOSIS, VESTIBULAR. Identifiers: Orphanet 637, MedGen C0027832, MONDO:0007039, OMIM 101000. Disease mechanism: loss of function.

Submission:

Labcorp Genetics (formerly Invitae), Labcorp
Classification: Uncertain significance for Neurofibromatosis, type 2. Last evaluated: 2020-03-12. Review status: criteria provided, single submitter. Criteria: Invitae Variant Classification Sherloc (09022015). Collection method: clinical testing. Allele origin: germline.
Comment: This variant has not been reported in the literature in individuals with NF2-related conditions. Algorithms developed to predict the effect of missense changes on protein structure and function are either unavailable or do not agree on the potential impact of this missense change (SIFT: "Not Available"; PolyPhen-2: "Benign"; Align-GVGD: "Not Available"). In summary, the available evidence is currently insufficient to determine the role of this variant in disease. Therefore, it has been classified as a Variant of Uncertain Significance. This variant is not present in population databases (ExAC no frequency). This sequence change replaces phenylalanine with serine at codon 498 of the NF2 protein (p.Phe498Ser). The phenylalanine residue is highly conserved and there is a large physicochemical difference between phenylalanine and serine.